The following is an entry in ClinVar:

ClinVar aggregate classification (germline): Uncertain significance. Review status: criteria provided, multiple submitters, no conflicts (2 of 4 stars). 2 submissions from 2 submitters: Uncertain significance (2). Last evaluated 2022-08-08.

Conditions:
HYPERHOMOCYSTEINEMIA, THROMBOTIC, CBS-RELATED. Identifiers: MedGen C3150344, OMIM 236200.
Familial thoracic aortic aneurysm and aortic dissection (TAAD). Also called: Thoracic aortic aneurysms and dissections. Identifiers: Orphanet 91387, MedGen C4707243, MONDO:0019625.

Allele frequency attached by ClinVar (database versions not stated): ExAC 0.00001; gnomAD exomes 0.00001.

Submissions (2):

Labcorp Genetics (formerly Invitae), Labcorp
Classification: Uncertain significance for HYPERHOMOCYSTEINEMIA, THROMBOTIC, CBS-RELATED. Last evaluated: 2022-08-08. Review status: criteria provided, single submitter. Criteria: Invitae Variant Classification Sherloc (09022015). Collection method: clinical testing. Allele origin: germline.
Comment: This sequence change falls in intron 8 of the CBS gene. It does not directly change the encoded amino acid sequence of the CBS protein. It affects a nucleotide within the consensus splice site. The frequency data for this variant in the population databases is considered unreliable, as metrics indicate poor data quality at this position in the gnomAD database. This variant has not been reported in the literature in individuals affected with CBS-related conditions. ClinVar contains an entry for this variant (Variation ID: 1382251). Variants that disrupt the consensus splice site are a relatively common cause of aberrant splicing (PMID: 17576681, 9536098). Algorithms developed to predict the effect of sequence changes on RNA splicing suggest that this variant is not likely to affect RNA splicing. In summary, the available evidence is currently insufficient to determine the role of this variant in disease. Therefore, it has been classified as a Variant of Uncertain Significance.

Ambry Genetics
Classification: Uncertain significance for Familial thoracic aortic aneurysm and aortic dissection. Last evaluated: 2021-08-06. Review status: criteria provided, single submitter. Criteria: Ambry Variant Classification Scheme 2023. Collection method: clinical testing. Allele origin: germline.
Comment: The c.736+4C>T intronic variant results from a C to T substitution 4 nucleotides after coding exon 6 in the CBS gene. This nucleotide position is poorly conserved in available vertebrate species. In silico splice site analysis predicts that this alteration will not have any significant effect on splicing. Since supporting evidence is limited at this time, the clinical significance of this alteration remains unclear.

Literature cited by the submitters: PubMed 17576681 (cited by Labcorp Genetics (formerly Invitae), Labcorp); PubMed 9536098 (cited by Labcorp Genetics (formerly Invitae), Labcorp).

NM_000071.3(CBS):c.736+4C>T

Gene: CBS (cystathionine beta-synthase; minus strand). Cytogenetic location: 21q22.3.
Variant type: single nucleotide variant.
Coding change: c.736+4C>T on transcript NM_000071.3 (MANE Select); 4 bases into the intron after coding-DNA position 736, C replaced by T.
Molecular consequence: intron variant.
Genome position (GRCh38, 1-based): chr21:43,065,199, G>A on the plus strand (C>T on the coding strand, the complement: CBS is on the minus strand). VCF-style: chr21-43065199-G-A. GRCh37 (hg19) VCF-style: chr21-44485309-G-A.
Other names: c.736+4C>T (NM_001320298.2, NM_001178009.3, NM_001178008.3); c.421+4C>T (NM_001321072.1).
Identifiers: ClinVar variation 1382251 (VCV001382251.7), dbSNP rs756191746, ClinGen allele CA321095360.